The following is an entry in ClinVar:

NM_016580.4(PCDH12):c.251G>C (p.Gly84Ala)

Genes: PCDH12 (protocadherin 12; minus strand), RNF14 (ring finger protein 14; plus strand). Cytogenetic location: 5q31.3.
Variant type: single nucleotide variant.
Coding change: c.251G>C on transcript NM_016580.4 (MANE Select); coding-DNA position 251, G replaced by C.
Protein change: p.Gly84Ala; replaces glycine 84 with alanine.
Molecular consequence: missense variant.
Genome position (GRCh38, 1-based): chr5:141,957,601, C>G on the plus strand (G>C on the coding strand, the complement: PCDH12 is on the minus strand). VCF-style: chr5-141957601-C-G. GRCh37 (hg19) VCF-style: chr5-141337166-C-G.
Other names: c.251G>C (NM_016580.2, NM_016580.3); short protein forms G84A.
Identifiers: ClinVar variation 1604321 (VCV001604321.10), dbSNP rs200573476, ClinGen allele CA3484598.

ClinVar aggregate classification (germline): Conflicting classifications of pathogenicity. Review status: criteria provided, conflicting classifications (1 of 4 stars). 3 submissions from 3 submitters: Uncertain significance (2); Likely benign (1). Last evaluated 2025-01-29.

Conditions:
Inborn genetic diseases. Identifiers: MedGen C0950123, MeSH D030342.

Allele frequency attached by ClinVar (database versions not stated): ExAC 0.00009; gnomAD exomes 0.00010; gnomAD 0.00014; TOPMed 0.00014; 1000 Genomes Project 30x 0.00031; 1000 Genomes Project 0.00040.
gnomAD v4.1: 257 of 1,614,210 alleles (0.016%); highest among the groups gnomAD compares: Non-Finnish European, 0.019%; no homozygotes.

Submissions (3):

Labcorp Genetics (formerly Invitae), Labcorp
Classification: Likely benign. Last evaluated: 2025-01-29. Review status: criteria provided, single submitter. Criteria: Invitae Variant Classification Sherloc (09022015). Collection method: clinical testing. Allele origin: germline.

GeneDx
Classification: Uncertain significance. Last evaluated: 2023-11-28. Review status: criteria provided, single submitter. Criteria: GeneDx Variant Classification Process June 2021. Collection method: clinical testing. Allele origin: germline. Affected: yes.
Comment: In silico analysis supports that this missense variant has a deleterious effect on protein structure/function; Has not been previously published as pathogenic or benign to our knowledge

Ambry Genetics
Classification: Uncertain significance for Inborn genetic diseases. Last evaluated: 2021-08-23. Review status: criteria provided, single submitter. Criteria: Ambry Variant Classification Scheme 2023. Collection method: clinical testing. Allele origin: germline.